The following is an entry in ClinVar:

ClinVar aggregate classification (germline): Uncertain significance (1 of 4 stars; one submission).

Submission:

Labcorp Genetics (formerly Invitae), Labcorp
Classification: Uncertain significance. Last evaluated: 2022-11-01. Review status: criteria provided, single submitter. Criteria: Invitae Variant Classification Sherloc (09022015). Collection method: clinical testing. Allele origin: germline.
Comment: In summary, the available evidence is currently insufficient to determine the role of this variant in disease. Therefore, it has been classified as a Variant of Uncertain Significance. This sequence change replaces serine, which is neutral and polar, with arginine, which is basic and polar, at codon 70 of the HES7 protein (p.Ser70Arg). This variant is not present in population databases (gnomAD no frequency). This variant has not been reported in the literature in individuals affected with HES7-related conditions. Algorithms developed to predict the effect of missense changes on protein structure and function (SIFT, PolyPhen-2, Align-GVGD) all suggest that this variant is likely to be tolerated. Algorithms developed to predict the effect of sequence changes on RNA splicing suggest that this variant may create or strengthen a splice site.

NM_001165967.2(HES7):c.210C>G (p.Ser70Arg)

Gene: HES7 (hes family bHLH transcription factor 7; minus strand). Cytogenetic location: 17p13.1.
Variant type: single nucleotide variant.
Coding change: c.210C>G on transcript NM_001165967.2 (MANE Select); coding-DNA position 210, C replaced by G.
Protein change: p.Ser70Arg; replaces serine 70 with arginine.
Molecular consequence: missense variant.
Genome position (GRCh38, 1-based): chr17:8,122,359, G>C on the plus strand (C>G on the coding strand, the complement: HES7 is on the minus strand). VCF-style: chr17-8122359-G-C. GRCh37 (hg19) VCF-style: chr17-8025677-G-C.
Other names: c.210C>G, p.Ser70Arg (NM_032580.4); short protein forms S70R.
Identifiers: ClinVar variation 2079075 (VCV002079075.4), dbSNP rs2507860853, ClinGen allele CA397989332.